The following is an entry in ClinVar:

ClinVar aggregate classification (germline): Conflicting classifications of pathogenicity. Review status: criteria provided, conflicting classifications (1 of 4 stars). 6 submissions from 6 submitters: Uncertain significance (3); Likely benign (3). Last evaluated 2025-09-25.

Conditions:
Hereditary cancer-predisposing syndrome. Also called: Hereditary neoplastic syndrome; Neoplastic Syndromes, Hereditary; Tumor predisposition; Hereditary Cancer Syndrome. Identifiers: Orphanet 140162, MedGen C0027672, MeSH D009386, MONDO:0015356.
Hereditary breast ovarian cancer syndrome. Also called: Hereditary breast and/or ovarian cancer syndrome; BRCA1- and BRCA2-Associated Hereditary Breast and Ovarian Cancer; Hereditary breast and ovarian cancer; Breast and ovarian cancer; Hereditary breast and ovarian cancer syndrome; Hereditary breast and ovarian cancer syndrome (HBOC). Identifiers: Orphanet 145, MedGen C0677776, MeSH D061325, MONDO:0003582. Disease mechanism: loss of function.
Breast-ovarian cancer, familial, susceptibility to, 2 (BROVCA2). Also called: BRCA2 Hereditary Breast and Ovarian Cancer. Identifiers: Orphanet 145, MedGen C2675520, MONDO:0012933, OMIM 612555. Disease mechanism: loss of function.

Allele frequency attached by ClinVar (database versions not stated): TOPMed below 0.00001.

Submissions (6):

Ambry Genetics
Classification: Uncertain significance for Hereditary cancer-predisposing syndrome. Last evaluated: 2025-09-25. Review status: criteria provided, single submitter. Criteria: Ambry Variant Classification Scheme 2023. Collection method: clinical testing. Allele origin: germline.
Comment: The p.T317A variant (also known as c.949A>G), located in coding exon 9 of the BRCA2 gene, results from an A to G substitution at nucleotide position 949. The threonine at codon 317 is replaced by alanine, an amino acid with similar properties. This amino acid position is not well conserved in available vertebrate species. In addition, this alteration is predicted to be tolerated by in silico analysis. Since supporting evidence is limited at this time, the clinical significance of this alteration remains unclear.

Labcorp Genetics (formerly Invitae), Labcorp
Classification: Uncertain significance for Hereditary breast ovarian cancer syndrome. Last evaluated: 2025-09-01. Review status: criteria provided, single submitter. Criteria: Invitae Variant Classification Sherloc (09022015). Collection method: clinical testing. Allele origin: germline.
Comment: This sequence change replaces threonine, which is neutral and polar, with alanine, which is neutral and non-polar, at codon 317 of the BRCA2 protein (p.Thr317Ala). This variant is not present in population databases (gnomAD no frequency). This variant has not been reported in the literature in individuals affected with BRCA2-related conditions. ClinVar contains an entry for this variant (Variation ID: 462528). Invitae Evidence Modeling of protein sequence and biophysical properties (such as structural, functional, and spatial information, amino acid conservation, physicochemical variation, residue mobility, and thermodynamic stability) indicates that this missense variant is not expected to disrupt BRCA2 protein function with a negative predictive value of 95%. In summary, the available evidence is currently insufficient to determine the role of this variant in disease. Therefore, it has been classified as a Variant of Uncertain Significance.

Myriad Genetics, Inc.
Classification: Likely benign for Breast-ovarian cancer, familial, susceptibility to, 2. Last evaluated: 2025-03-04. Review status: criteria provided, single submitter. Criteria: Myriad Autosomal Dominant, Autosomal Recessive and X-Linked Classification Criteria (2023). Collection method: clinical testing. Allele origin: unknown.
Comment: This variant is considered likely benign. This variant is strongly associated with less severe personal and family histories of cancer, typical for individuals without pathogenic variants in this gene [PMID: 25085752].

ARUP Laboratories, Molecular Genetics and Genomics, ARUP Laboratories
Classification: Likely benign. Last evaluated: 2024-11-18. Review status: criteria provided, single submitter. Criteria: ARUP Molecular Germline Variant Investigation Process 2024. Collection method: clinical testing. Allele origin: germline.

Color Diagnostics, LLC DBA Color Health
Classification: Uncertain significance for Hereditary cancer-predisposing syndrome. Last evaluated: 2024-09-24. Review status: criteria provided, single submitter. Criteria: ACMG Guidelines, 2015. Collection method: clinical testing. Allele origin: germline.
Comment: This missense variant replaces threonine with alanine at codon 317 of the BRCA2 protein. Computational prediction suggests that this variant may not impact protein structure and function. To our knowledge, functional studies have not been reported for this variant. This variant has not been reported in individuals affected with BRCA2-related disorders in the literature. This variant has not been identified in the general population by the Genome Aggregation Database (gnomAD). The available evidence is insufficient to determine the role of this variant in disease conclusively. Therefore, this variant is classified as a Variant of Uncertain Significance.

University of Washington Department of Laboratory Medicine, University of Washington
Classification: Likely benign for Hereditary cancer-predisposing syndrome. Last evaluated: 2023-03-23. Review status: criteria provided, single submitter. Criteria: Dines et al. (Genet Med. 2020). Collection method: curation. Allele origin: germline.
Comment: Missense variant in a coldspot region where missense variants are very unlikely to be pathogenic (PMID:31911673).

BRCA2 exon 10 coldspot. Reclassification based on statistical prior probability.

Literature cited by the submitters: PubMed 25085752 (cited by Myriad Genetics, Inc.).

NM_000059.4(BRCA2):c.949A>G (p.Thr317Ala)

Gene: BRCA2 (BRCA2 DNA repair associated; plus strand). Cytogenetic location: 13q13.1.
Variant type: single nucleotide variant.
Coding change: c.949A>G on transcript NM_000059.4 (MANE Select); coding-DNA position 949, A replaced by G.
Protein change: p.Thr317Ala; replaces threonine 317 with alanine.
Molecular consequence: missense variant.
Genome position (GRCh38, 1-based): chr13:32,332,427, A>G. VCF-style: chr13-32332427-A-G. GRCh37 (hg19) VCF-style: chr13-32906564-A-G.
Other names: short protein forms T317A.
Identifiers: ClinVar variation 462528 (VCV000462528.20), dbSNP rs1555281645, ClinGen allele CA387760842.